The following is an entry in ClinVar:

NM_017780.4(CHD7):c.8164A>G (p.Lys2722Glu)

Gene: CHD7 (chromodomain helicase DNA binding protein 7; plus strand). Cytogenetic location: 8q12.2.
Variant type: single nucleotide variant.
Coding change: c.8164A>G on transcript NM_017780.4 (MANE Select); coding-DNA position 8164, A replaced by G.
Protein change: p.Lys2722Glu; replaces lysine 2722 with glutamic acid.
Molecular consequence: missense variant.
Genome position (GRCh38, 1-based): chr8:60,865,103, A>G. VCF-style: chr8-60865103-A-G. GRCh37 (hg19) VCF-style: chr8-61777662-A-G.
Other names: c.2017A>G, p.Lys673Glu (NM_001316690.1); short protein forms K2722E, K673E.
Identifiers: ClinVar variation 648106 (VCV000648106.8), dbSNP rs1586467143, ClinGen allele CA371307448.
Genomic context (GRCh38, chr8:60,865,103, plus strand): 5'-CGCCTTCTCACTGGGCCTGTAGTGCGGGGAGAGGGAGCGAGCAGAAGAGGAAGAAGGCCC[A>G]AAAGTGAGATCGCCAGAGCAGCCGCGGCCGCCGCTGCTGTGGCCTCCACGTCAGGGATCA-3'
Protein context (NP_060250.2, residues 2712-2732): EGASRRGRRP[Lys2722Glu]SEIARAAAAA

ClinVar aggregate classification (germline): Uncertain significance (1 of 4 stars; one submission).

Conditions:
CHARGE syndrome (CHARGE). Also called: Coloboma, heart anomaly, choanal atresia, retardation, genital and ear anomalies; CHARGE association; Hall-Hittner syndrome; Hittner Hirsch Kreh syndrome; CHARGE ASSOCIATION--COLOBOMA, HEART ANOMALY, CHOANAL ATRESIA, RETARDATION, GENITAL AND EAR ANOMALIES. Identifiers: Orphanet 138, MedGen C0265354, MONDO:0008965.

Submission:

Labcorp Genetics (formerly Invitae), Labcorp
Classification: Uncertain significance for CHARGE syndrome. Last evaluated: 2018-08-14. Review status: criteria provided, single submitter. Criteria: Invitae Variant Classification Sherloc (09022015). Collection method: clinical testing. Allele origin: germline.
Comment: This sequence change replaces lysine with glutamic acid at codon 2722 of the CHD7 protein (p.Lys2722Glu). The lysine residue is highly conserved and there is a small physicochemical difference between lysine and glutamic acid. This variant is not present in population databases (ExAC no frequency). This variant has not been reported in the literature in individuals with CHD7-related disease. Algorithms developed to predict the effect of missense changes on protein structure and function are either unavailable or do not agree on the potential impact of this missense change (SIFT: "Deleterious"; PolyPhen-2: "Probably Damaging"; Align-GVGD: "Class C0"). In summary, the available evidence is currently insufficient to determine the role of this variant in disease. Therefore, it has been classified as a Variant of Uncertain Significance.